The following is an entry in ClinVar:

NM_173648.4(CCDC141):c.715A>G (p.Lys239Glu)

Gene: CCDC141 (coiled-coil domain containing 141; minus strand). Cytogenetic location: 2q31.2.
Variant type: single nucleotide variant.
Coding change: c.715A>G on transcript NM_173648.4 (MANE Select); coding-DNA position 715, A replaced by G.
Protein change: p.Lys239Glu; replaces lysine 239 with glutamic acid.
Molecular consequence: missense variant.
Genome position (GRCh38, 1-based): chr2:178,961,295, T>C on the plus strand (A>G on the coding strand, the complement: CCDC141 is on the minus strand). VCF-style: chr2-178961295-T-C. GRCh37 (hg19) VCF-style: chr2-179826022-T-C.
Other names: c.715A>G, p.Lys239Glu (NM_001316745.2); short protein forms K239E.
Identifiers: ClinVar variation 4695321 (VCV004695321.1).

ClinVar aggregate classification (germline): Uncertain significance (1 of 4 stars; one submission).

gnomAD v4.1: 5 of 1,550,522 alleles (0.00032%); highest among the groups gnomAD compares: Non-Finnish European, 0.00044%; no homozygotes.

Submission:

Labcorp Genetics (formerly Invitae), Labcorp
Classification: Uncertain significance. Last evaluated: 2025-03-06. Review status: criteria provided, single submitter. Criteria: Invitae Variant Classification Sherloc (09022015). Collection method: clinical testing. Allele origin: germline.
Comment: This sequence change replaces lysine, which is basic and polar, with glutamic acid, which is acidic and polar, at codon 239 of the CCDC141 protein (p.Lys239Glu). This variant is present in population databases (no rsID available, gnomAD 0.002%). This variant has not been reported in the literature in individuals affected with CCDC141-related conditions. An algorithm developed to predict the effect of missense changes on protein structure and function (PolyPhen-2) suggests that this variant is likely to be disruptive. In summary, the available evidence is currently insufficient to determine the role of this variant in disease. Therefore, it has been classified as a Variant of Uncertain Significance.